The following is an entry in ClinVar:

ClinVar aggregate classification (germline): Uncertain significance (1 of 4 stars; one submission).

Conditions:
Hereditary cancer-predisposing syndrome. Also called: Neoplastic Syndromes, Hereditary; Tumor predisposition; Hereditary neoplastic syndrome; Hereditary Cancer Syndrome. Identifiers: Orphanet 140162, MedGen C0027672, MeSH D009386, MONDO:0015356.
Cardiovascular phenotype. Identifiers: MedGen CN230736.

Submission:

Ambry Genetics
Classification: Uncertain significance for Cardiovascular phenotype; Hereditary cancer-predisposing syndrome. Last evaluated: 2023-10-26. Review status: criteria provided, single submitter. Criteria: Ambry Variant Classification Scheme 2023. Collection method: clinical testing. Allele origin: germline.
Comment: The p.L414F variant (also known as c.1240C>T), located in coding exon 11 of the NF1 gene, results from a C to T substitution at nucleotide position 1240. The leucine at codon 414 is replaced by phenylalanine, an amino acid with highly similar properties. This amino acid position is highly conserved in available vertebrate species. In addition, the in silico prediction for this alteration is inconclusive. Since supporting evidence is limited at this time, the clinical significance of this alteration remains unclear.

NM_001042492.3(NF1):c.1240C>T (p.Leu414Phe)

Gene: NF1 (neurofibromin 1; plus strand). Cytogenetic location: 17q11.2.
Variant type: single nucleotide variant.
Coding change: c.1240C>T on transcript NM_001042492.3 (MANE Select); coding-DNA position 1240, C replaced by T.
Protein change: p.Leu414Phe; replaces leucine 414 with phenylalanine.
Molecular consequence: missense variant.
Genome position (GRCh38, 1-based): chr17:31,201,465, C>T. VCF-style: chr17-31201465-C-T. GRCh37 (hg19) VCF-style: chr17-29528483-C-T.
Other names: c.1240C>T, p.Leu414Phe (NM_000267.4, NM_001128147.3); short protein forms L414F.
Identifiers: ClinVar variation 3238046 (VCV003238046.1), dbSNP rs2143886600.